The following is an entry in ClinVar:

ClinVar aggregate classification (germline): Uncertain significance (1 of 4 stars; one submission).

Submission:

Labcorp Genetics (formerly Invitae), Labcorp
Classification: Uncertain significance. Last evaluated: 2021-07-13. Review status: criteria provided, single submitter. Criteria: Invitae Variant Classification Sherloc (09022015). Collection method: clinical testing. Allele origin: germline.
Comment: This sequence change replaces leucine with proline at codon 58 of the UNC80 protein (p.Leu58Pro). The leucine residue is moderately conserved and there is a moderate physicochemical difference between leucine and proline. This variant is not present in population databases (ExAC no frequency). This variant has not been reported in the literature in individuals affected with UNC80-related conditions. Algorithms developed to predict the effect of missense changes on protein structure and function are either unavailable or do not agree on the potential impact of this missense change (SIFT: "Not Available"; PolyPhen-2: "Probably Damaging"; Align-GVGD: "Not Available"). In summary, the available evidence is currently insufficient to determine the role of this variant in disease. Therefore, it has been classified as a Variant of Uncertain Significance.

NM_001371986.1(UNC80):c.173T>C (p.Leu58Pro)

Gene: UNC80 (unc-80 subunit of NALCN channel complex; plus strand). Cytogenetic location: 2q34.
Variant type: single nucleotide variant.
Coding change: c.173T>C on transcript NM_001371986.1 (MANE Select); coding-DNA position 173, T replaced by C.
Protein change: p.Leu58Pro; replaces leucine 58 with proline.
Molecular consequence: missense variant.
Genome position (GRCh38, 1-based): chr2:209,775,920, T>C. VCF-style: chr2-209775920-T-C. GRCh37 (hg19) VCF-style: chr2-210640644-T-C.
Other names: c.173T>C, p.Leu58Pro (NM_032504.2, NM_182587.4); short protein forms L58P.
Identifiers: ClinVar variation 1518814 (VCV001518814.8), dbSNP rs2153824564, ClinGen allele CA350130608.